The following is an entry in ClinVar:

NM_001035.3(RYR2):c.12752A>G (p.Asn4251Ser)

Genes: RYR2 (ryanodine receptor 2; plus strand), LOC126806068 (BRD4-independent group 4 enhancer GRCh37_chr1:237947411-237948610; plus strand). Cytogenetic location: 1q43.
Variant type: single nucleotide variant.
Coding change: c.12752A>G on transcript NM_001035.3 (MANE Select); coding-DNA position 12752, A replaced by G.
Protein change: p.Asn4251Ser; replaces asparagine 4251 with serine.
Molecular consequence: missense variant.
Genome position (GRCh38, 1-based): chr1:237,784,464, A>G. VCF-style: chr1-237784464-A-G. GRCh37 (hg19) VCF-style: chr1-237947764-A-G.
Other names: p.Asn4251Ser; short protein forms N4251S.
Identifiers: ClinVar variation 1315962 (VCV001315962.8), dbSNP rs750064223, ClinGen allele CA085228.
Genomic context (GRCh38, chr1:237,784,464, plus strand): 5'-CGAGGATGGCTTTCTTCTCCATTCTGACGGTCAGGTCGGCCCTGTTTGCGCTCAGGTACA[A>G]TATCTTGACCCTTATGCGAATGCTCAGTCTGAAGAGCCTGAAGAAGCAGATGAAAAAAGT-3'
Protein context (NP_001026.2, residues 4241-4261): VRSALFALRY[Asn4251Ser]ILTLMRMLSL

ClinVar aggregate classification (germline): Conflicting classifications of pathogenicity. Review status: criteria provided, conflicting classifications (1 of 4 stars). 4 submissions from 4 submitters: Uncertain significance (3); Likely benign (1). Last evaluated 2024-04-13.

Conditions:
Catecholaminergic polymorphic ventricular tachycardia 1. Also called: RYR2-Related Catecholaminergic Polymorphic Ventricular Tachycardia; VENTRICULAR TACHYCARDIA, CATECHOLAMINERGIC POLYMORPHIC, 1, WITH OR WITHOUT ATRIAL DYSFUNCTION AND/OR DILATED CARDIOMYOPATHY; VENTRICULAR TACHYCARDIA, STRESS-INDUCED POLYMORPHIC 1. Identifiers: Orphanet 3286, MedGen C1631597, MONDO:0011484, OMIM 604772.
Catecholaminergic polymorphic ventricular tachycardia (CVPT). Also called: Catecholamine-induced polymorphic ventricular tachycardia. Identifiers: Orphanet 3286, MedGen C5574922, MONDO:0017990.

Allele frequency attached by ClinVar (database versions not stated): gnomAD exomes below 0.00001 and 0.00002; gnomAD 0.00001; TOPMed 0.00001; ExAC 0.00003.
gnomAD v4.1: 8 of 1,613,576 alleles (0.0005%); highest among the groups gnomAD compares: Admixed American, 0.0067%; no homozygotes.

Submissions (4):

Labcorp Genetics (formerly Invitae), Labcorp
Classification: Likely benign for Catecholaminergic polymorphic ventricular tachycardia 1. Last evaluated: 2024-04-13. Review status: criteria provided, single submitter. Criteria: Invitae Variant Classification Sherloc (09022015). Collection method: clinical testing. Allele origin: germline.

All of Us Research Program, National Institutes of Health
Classification: Uncertain significance for Catecholaminergic polymorphic ventricular tachycardia. Last evaluated: 2023-04-03. Review status: criteria provided, single submitter. Criteria: ACMG Guidelines, 2015. Collection method: clinical testing. Allele origin: germline. Inheritance: Autosomal dominant inheritance. Observed: 1 variant allele, 1 heterozygote.
Comment: This missense variant replaces asparagine with serine at codon 4251 of the RYR2 protein. Computational prediction suggests that this variant may not impact protein structure and function (internally defined REVEL score threshold <= 0.5, PMID: 27666373). To our knowledge, functional studies have not been reported for this variant. This variant has not been reported in individuals affected with RYR2-related disorders in the literature. This variant has been identified in 4/247540 chromosomes in the general population by the Genome Aggregation Database (gnomAD). The available evidence is insufficient to determine the role of this variant in disease conclusively. Therefore, this variant is classified as a Variant of Uncertain Significance.

This study involves interpretation of variants in research participants for the purpose of population health screening. Participant phenotype was not available at the time of variant classification. Additional details can be found in publication PMID: 35346344, PMCID: PMC8962531

Clinical Genomics Laboratory, Stanford Medicine
Classification: Uncertain significance for Catecholaminergic polymorphic ventricular tachycardia 1. Last evaluated: 2021-07-21. Review status: criteria provided, single submitter. Criteria: ACMG Guidelines, 2015. Collection method: clinical testing. Allele origin: germline. Affected: yes. Observed: 1 heterozygote.
Comment: The p.Asn4251Ser variant in the RYR2 gene has not been previously reported in association with disease. This variant has been identified in 4/34,416 Latino/Admixed American chromosomes by the Genome Aggregation Database. Although this variant has been observed in the general population, it has not been observed at a high enough frequency to rule out pathogenicity. The p.Asn4251Ser variant occurs in exon 90 of RYR2, an exon which has been shown to be enriched for pathogenic variants and partially overlaps with a hot-spot region of the RyR2 protein (Medeiros-Domingo et al., 2009; Kapplinger et al., 2018; Guo et al., 2021). The asparagine at position 4251is highly evolutionarily conserved. Computational tools do not predict that the p.Asn4251Ser variant impacts protein function; however, the accuracy of in silicoalgorithms is limited. These data were assessed using the ACMG/AMP variant interpretation guidelines. In summary, the significance of the p.Asn4251Servariant is uncertain. Additional information is needed to resolve the significance of this variant. [ACMG evidence codes used: None]

GeneDx
Classification: Uncertain significance. Last evaluated: 2019-11-21. Review status: criteria provided, single submitter. Criteria: GeneDx Variant Classification Process June 2021. Collection method: clinical testing. Allele origin: germline. Affected: yes.
Comment: Has not been previously published as pathogenic or benign to our knowledge; In silico analysis, which includes protein predictors and evolutionary conservation, supports that this variant does not alter protein structure/function; Located in one of the three hot-spot regions of the RYR2 gene, where the majority of pathogenic missense variants occur (Medeiros-Domingo et al., 2009)